The following is an entry in ClinVar:

ClinVar aggregate classification (germline): Likely benign. Review status: criteria provided, multiple submitters, no conflicts (2 of 4 stars). 4 submissions from 4 submitters: Likely benign (3). 1 of the submissions does not count toward it. Last evaluated 2026-08-01.

Conditions:
DYNC1H1-related disorder. Also called: DYNC1H1-related condition; DYNC1H1-related disorders. Identifiers: MedGen CN381529.
Charcot-Marie-Tooth disease axonal type 2O. Also called: CHARCOT-MARIE-TOOTH NEUROPATHY, AXONAL, TYPE 2O; CHARCOT-MARIE-TOOTH DISEASE, AXONAL, AUTOSOMAL DOMINANT, TYPE 2O; Charcot-Marie-Tooth Neuropathy Type 2O; Charcot-Marie-Tooth disease, axonal, type 20. Identifiers: Orphanet 284232, MedGen C3280220, MONDO:0013644, OMIM 614228.

Allele frequency attached by ClinVar (database versions not stated): gnomAD 0.00001; gnomAD exomes 0.00001; TOPMed 0.00001; ExAC 0.00002; ESP Exome Variant Server 0.00008.
gnomAD v4.1: 15 of 1,614,080 alleles (0.00093%); highest among the groups gnomAD compares: Middle Eastern, 0.12%; no homozygotes.

Submissions (4):

CeGaT Center for Human Genetics Tuebingen
Classification: Likely benign. Last evaluated: 2026-08-01. Review status: criteria provided, single submitter. Criteria: CeGaT Center For Human Genetics Tuebingen Variant Classification Criteria Version 2. Collection method: clinical testing. Allele origin: germline. Affected: yes. Observed: 1 variant allele.
Comment: DYNC1H1: BP4, BP7

Labcorp Genetics (formerly Invitae), Labcorp
Classification: Likely benign for Charcot-Marie-Tooth disease axonal type 2O. Last evaluated: 2024-11-18. Review status: criteria provided, single submitter. Criteria: Invitae Variant Classification Sherloc (09022015). Collection method: clinical testing. Allele origin: germline.

Blueprint Genetics
Classification: Likely benign. Last evaluated: 2024-03-13. Review status: criteria provided, single submitter. Criteria: ACMG Guidelines, 2015. Collection method: clinical testing. Allele origin: germline.

PreventionGenetics, part of Exact Sciences
Classification: Likely benign for DYNC1H1-related condition. Last evaluated: 2019-09-17. Review status: no assertion criteria provided. Collection method: clinical testing. Allele origin: germline. Not counted in ClinVar's aggregate classification.
Comment: This variant is classified as likely benign based on ACMG/AMP sequence variant interpretation guidelines (Richards et al. 2015 PMID: 25741868, with internal and published modifications).

NM_001376.5(DYNC1H1):c.1806C>T (p.Arg602=)

Gene: DYNC1H1 (dynein cytoplasmic 1 heavy chain 1; plus strand). Cytogenetic location: 14q32.31.
Variant type: single nucleotide variant.
Coding change: c.1806C>T on transcript NM_001376.5 (MANE Select); coding-DNA position 1806, C replaced by T.
Protein change: p.Arg602=; no amino-acid change (arginine 602 retained).
Molecular consequence: synonymous variant.
Genome position (GRCh38, 1-based): chr14:101,986,031, C>T. VCF-style: chr14-101986031-C-T. GRCh37 (hg19) VCF-style: chr14-102452368-C-T.
Other names: c.1806C>T (NM_001376.4).
Identifiers: ClinVar variation 1097307 (VCV001097307.12), dbSNP rs145526188, ClinGen allele CA7351737.